The following is an entry in ClinVar:

ClinVar aggregate classification (germline): Conflicting classifications of pathogenicity. Review status: criteria provided, conflicting classifications (1 of 4 stars). 2 submissions from 2 submitters: Pathogenic (1); Uncertain significance (1). Last evaluated 2024-08-19.

Conditions:
Glycogen storage disease, type IV (GSD4). Also called: AMYLOPECTINOSIS; ANDERSEN DISEASE; BRANCHER DEFICIENCY; CIRRHOSIS, FAMILIAL, WITH DEPOSITION OF ABNORMAL GLYCOGEN; GBE1 DEFICIENCY; GLYCOGEN BRANCHING ENZYME DEFICIENCY. Identifiers: Orphanet 367, MedGen C0017923, MONDO:0009292, OMIM 232500.
Polyglucosan body myopathy type 1 (PGBM1). Also called: Polyglucosan body myopathy 1 with or without immunodeficiency; POLYGLUCOSAN BODY MYOPATHY WITHOUT IMMUNODEFICIENCY. Identifiers: Orphanet 329173, Orphanet 397937, MedGen C4014605, MONDO:0014389, OMIM 615895.

gnomAD v4.1: 1 of 1,614,160 alleles (0.000062%); highest among the groups gnomAD compares: Non-Finnish European, 0.000085%; no homozygotes.

Submissions (2):

GeneDx
Classification: Uncertain significance. Last evaluated: 2024-08-19. Review status: criteria provided, single submitter. Criteria: GeneDx Variant Classification Process June 2021. Collection method: clinical testing. Allele origin: germline. Affected: yes.
Comment: Not observed in large population cohorts (gnomAD); In silico analysis supports that this missense variant has a deleterious effect on protein structure/function; This variant is associated with the following publications: (PMID: Akman2017[Case Report])

Laboratory of Dr Salvatore DiMauro, H. Houston Merritt Clinical Research Center., Columbia University Medical Center
Classification: Pathogenic for Glycogen storage disease, type IV; Polyglucosan body myopathy type 1. Last evaluated: 2016-03-03. Review status: criteria provided, single submitter. Criteria: Submitter's publication. Collection method: clinical testing. Allele origin: biparental. Inheritance: Autosomal recessive inheritance. Affected: yes. Observed: 3 variant alleles, 2 heterozygotes, 1 homozygote.
Comment: p.Cys371Phe substitution changes a very conserved motif in the RBCK1 protein. Conservation of the locus and parents being heterozygous strongly suggest the pathogenicity of this mutation. PolyPhen and Swift databases also suggest pathogenic feature of this amino acid change.

NM_031229.4(RBCK1):c.1112G>T (p.Cys371Phe)

Gene: RBCK1 (RANBP2-type and C3HC4-type zinc finger containing 1; plus strand). Cytogenetic location: 20p13.
Variant type: single nucleotide variant.
Coding change: c.1112G>T on transcript NM_031229.4 (MANE Select); coding-DNA position 1112, G replaced by T.
Protein change: p.Cys371Phe; replaces cysteine 371 with phenylalanine.
Molecular consequence: missense variant. On other transcripts: non-coding transcript variant (1).
Genome position (GRCh38, 1-based): chr20:427,395, G>T. VCF-style: chr20-427395-G-T. GRCh37 (hg19) VCF-style: chr20-408039-G-T.
Other names: HOIL1; c.602G>T, p.Cys201Phe (NM_001323956.2, NM_001323958.2); c.986G>T, p.Cys329Phe (NM_006462.6); short protein forms C371F, C329F, C201F.
Identifiers: ClinVar variation 430898 (VCV000430898.4), dbSNP rs1555787599, ClinGen allele CA407934305.